The following is an entry in ClinVar:

NM_001905.4(CTPS1):c.1691+7G>A

Gene: CTPS1 (CTP synthase 1; plus strand). Cytogenetic location: 1p34.2.
Variant type: single nucleotide variant.
Coding change: c.1691+7G>A on transcript NM_001905.4 (MANE Select); 7 bases into the intron after coding-DNA position 1691, G replaced by A.
Molecular consequence: intron variant.
Genome position (GRCh38, 1-based): chr1:41,009,596, G>A. VCF-style: chr1-41009596-G-A. GRCh37 (hg19) VCF-style: chr1-41475268-G-A.
Other names: c.1223+7G>A (NM_001301237.2).
Identifiers: ClinVar variation 739536 (VCV000739536.14), dbSNP rs186753161, ClinGen allele CA795588.

ClinVar aggregate classification (germline): Benign/Likely benign. Review status: criteria provided, multiple submitters, no conflicts (2 of 4 stars). 3 submissions from 3 submitters: Benign (1); Likely benign (1). 1 of the submissions does not count toward it. Last evaluated 2025-12-01.

Conditions:
Combined immunodeficiency due to CTPS1 deficiency. Also called: Severe combined immunodeficiency due to CTPS1 deficiency; Immunodeficiency 24. Identifiers: Orphanet 420573, MedGen C4014617, MONDO:0014391, OMIM 615897.
CTPS1-related disorder. Also called: CTPS1-related condition.

Allele frequency attached by ClinVar (database versions not stated): gnomAD 0.00011 and 0.00015; TOPMed 0.00025; 1000 Genomes Project 30x 0.00031; 1000 Genomes Project 0.00040.
gnomAD v4.1: 290 of 1,613,794 alleles (0.018%); highest among the groups gnomAD compares: East Asian, 0.56%; 1 homozygote.

Submissions (3):

Labcorp Genetics (formerly Invitae), Labcorp
Classification: Benign for Combined immunodeficiency due to CTPS1 deficiency. Last evaluated: 2025-12-01. Review status: criteria provided, single submitter. Criteria: Invitae Variant Classification Sherloc (09022015). Collection method: clinical testing. Allele origin: germline.

Blueprint Genetics
Classification: Likely benign. Last evaluated: 2024-07-12. Review status: criteria provided, single submitter. Criteria: ACMG Guidelines, 2015. Collection method: clinical testing. Allele origin: germline.

PreventionGenetics, part of Exact Sciences
Classification: Likely benign for CTPS1-related condition. Last evaluated: 2019-02-21. Review status: no assertion criteria provided. Collection method: clinical testing. Allele origin: germline. Not counted in ClinVar's aggregate classification.
Comment: This variant is classified as likely benign based on ACMG/AMP sequence variant interpretation guidelines (Richards et al. 2015 PMID: 25741868, with internal and published modifications).